The following is an entry in ClinVar:

NM_018706.7(DHTKD1):c.2573A>C (p.Asp858Ala)

Gene: DHTKD1 (dehydrogenase E1 and transketolase domain containing 1; plus strand). Cytogenetic location: 10p14.
Variant type: single nucleotide variant.
Coding change: c.2573A>C on transcript NM_018706.7 (MANE Select); coding-DNA position 2573, A replaced by C.
Protein change: p.Asp858Ala; replaces aspartic acid 858 with alanine.
Molecular consequence: missense variant.
Genome position (GRCh38, 1-based): chr10:12,120,182, A>C. VCF-style: chr10-12120182-A-C. GRCh37 (hg19) VCF-style: chr10-12162181-A-C.
Other names: short protein forms D858A.
Identifiers: ClinVar variation 1999749 (VCV001999749.4), dbSNP rs2491527486, ClinGen allele CA376016972.

ClinVar aggregate classification (germline): Uncertain significance (1 of 4 stars; one submission).

Conditions:
2-aminoadipic 2-oxoadipic aciduria (AAKAD). Also called: Aminoadipic aciduria; ALPHA-AMINOADIPIC AND ALPHA-KETOADIPIC ACIDURIA. Identifiers: Orphanet 79154, MedGen C1859817, MONDO:0008774, OMIM 204750.

gnomAD v4.1: 2 of 1,612,992 alleles (0.00012%); highest among the groups gnomAD compares: Non-Finnish European, 0.00017%; no homozygotes.

Submission:

Labcorp Genetics (formerly Invitae), Labcorp
Classification: Uncertain significance for 2-aminoadipic 2-oxoadipic aciduria. Last evaluated: 2022-05-27. Review status: criteria provided, single submitter. Criteria: Invitae Variant Classification Sherloc (09022015). Collection method: clinical testing. Allele origin: germline.
Comment: This sequence change replaces aspartic acid, which is acidic and polar, with alanine, which is neutral and non-polar, at codon 858 of the DHTKD1 protein (p.Asp858Ala). This variant is not present in population databases (gnomAD no frequency). This variant has not been reported in the literature in individuals affected with DHTKD1-related conditions. Algorithms developed to predict the effect of missense changes on protein structure and function output the following: SIFT: "Tolerated"; PolyPhen-2: "Benign"; Align-GVGD: "Class C0". The alanine amino acid residue is found in multiple mammalian species, which suggests that this missense change does not adversely affect protein function. In summary, the available evidence is currently insufficient to determine the role of this variant in disease. Therefore, it has been classified as a Variant of Uncertain Significance.